The following is an entry in ClinVar:

NM_001330700.2(TOP2B):c.816A>T (p.Arg272Ser)

Gene: TOP2B (DNA topoisomerase II beta; minus strand). Cytogenetic location: 3p24.2.
Variant type: single nucleotide variant.
Coding change: c.816A>T on transcript NM_001330700.2 (MANE Select); coding-DNA position 816, A replaced by T.
Protein change: p.Arg272Ser; replaces arginine 272 with serine.
Molecular consequence: missense variant.
Genome position (GRCh38, 1-based): chr3:25,635,972, T>A on the plus strand (A>T on the coding strand, the complement: TOP2B is on the minus strand). VCF-style: chr3-25635972-T-A. GRCh37 (hg19) VCF-style: chr3-25677463-T-A.
Other names: c.801A>T, p.Arg267Ser (NM_001068.3); short protein forms R267S, R272S.
Identifiers: ClinVar variation 1325549 (VCV001325549.1), dbSNP rs2125385266, ClinGen allele CA351911941.
Genomic context (GRCh38, chr3:25,635,972, plus strand): 5'-AAAACTATTTTACAGGACACTTACAGGCAATTTCTTTCCATTAAACATGACCTTGACCCC[T>A]CTACACGAACCAGCCAAATCATATGCCCTTCTAGTCATGAGGGCCACAATATCCTTGTCA-3'
Protein context (NP_001317629.1, residues 262-282): RRAYDLAGSC[Arg272Ser]GVKVMFNGKK

ClinVar aggregate classification (germline): Uncertain significance (1 of 4 stars; one submission).

Submission:

New York Genome Center
Classification: Uncertain significance. Last evaluated: 2020-07-03. Review status: criteria provided, single submitter. Criteria: NYGC Assertion Criteria 2020. Collection method: clinical testing. Allele origin: germline. Affected: yes. Observed: 1 heterozygote. Study: CSER-NYCKidSeq.
Comment: The c.801A>T(p.Arg267Ser) variant in exon 7 of 36 of TOP2B has not been reported in affected individuals in the available literature. This variant isnotpresent in gnomAD, suggesting it is not a common benign variant in the populations represented in this database. In silico predictors suggest this variant is Deleterious (Provean; score: -2.62) and Damaging (SIFT; score: 0.015). Given the current evidences regarding its pathogenicity, the c.801A>T(p.Arg267Ser) variant identified in the TOP2B gene is reported as a Variant of Uncertain Significance.